The following is an entry in ClinVar:

ClinVar aggregate classification (germline): Conflicting classifications of pathogenicity. Review status: criteria provided, conflicting classifications (1 of 4 stars). 2 submissions from 2 submitters: Uncertain significance (1); Likely benign (1). Last evaluated 2023-02-06.

Conditions:
Inborn genetic diseases. Identifiers: MedGen C0950123, MeSH D030342.

Allele frequency attached by ClinVar (database versions not stated): ExAC 0.00003; gnomAD 0.00005; gnomAD exomes 0.00009; ESP Exome Variant Server 0.00016.
gnomAD v4.1: 141 of 1,614,026 alleles (0.0087%); highest among the groups gnomAD compares: Non-Finnish European, 0.011%; no homozygotes.

Submissions (2):

Ambry Genetics
Classification: Likely benign for Inborn genetic diseases. Last evaluated: 2023-02-06. Review status: criteria provided, single submitter. Criteria: Ambry Variant Classification Scheme 2023. Collection method: clinical testing. Allele origin: germline.

Labcorp Genetics (formerly Invitae), Labcorp
Classification: Uncertain significance. Last evaluated: 2022-07-16. Review status: criteria provided, single submitter. Criteria: Invitae Variant Classification Sherloc (09022015). Collection method: clinical testing. Allele origin: germline.
Comment: This sequence change replaces glycine, which is neutral and non-polar, with serine, which is neutral and polar, at codon 121 of the GP6 protein (p.Gly121Ser). This variant is present in population databases (rs372032713, gnomAD 0.005%). This variant has not been reported in the literature in individuals affected with GP6-related conditions. Algorithms developed to predict the effect of missense changes on protein structure and function output the following: SIFT: "Tolerated"; PolyPhen-2: "Benign"; Align-GVGD: "Class C0". The serine amino acid residue is found in multiple mammalian species, which suggests that this missense change does not adversely affect protein function. In summary, the available evidence is currently insufficient to determine the role of this variant in disease. Therefore, it has been classified as a Variant of Uncertain Significance.

NM_016363.5(GP6):c.361G>A (p.Gly121Ser)

Gene: GP6 (glycoprotein VI platelet; minus strand). Cytogenetic location: 19q13.42.
Variant type: single nucleotide variant.
Coding change: c.361G>A on transcript NM_016363.5 (MANE Select); coding-DNA position 361, G replaced by A.
Protein change: p.Gly121Ser; replaces glycine 121 with serine.
Molecular consequence: missense variant.
Genome position (GRCh38, 1-based): chr19:55,027,827, C>T on the plus strand (G>A on the coding strand, the complement: GP6 is on the minus strand). VCF-style: chr19-55027827-C-T. GRCh37 (hg19) VCF-style: chr19-55539195-C-T.
Other names: c.361G>A, p.Gly121Ser (NM_001083899.2, NM_001256017.2); c.361G>A (NM_001083899.1); short protein forms G121S.
Identifiers: ClinVar variation 2166545 (VCV002166545.3), dbSNP rs372032713, ClinGen allele CA310130289.